The following is an entry in ClinVar:

NM_001172509.2(SATB2):c.1481A>T (p.Glu494Val)

Gene: SATB2 (SATB homeobox 2; minus strand). Cytogenetic location: 2q33.1.
Variant type: single nucleotide variant.
Coding change: c.1481A>T on transcript NM_001172509.2 (MANE Select); coding-DNA position 1481, A replaced by T.
Protein change: p.Glu494Val; replaces glutamic acid 494 with valine.
Molecular consequence: missense variant.
Genome position (GRCh38, 1-based): chr2:199,323,864, T>A on the plus strand (A>T on the coding strand, the complement: SATB2 is on the minus strand). VCF-style: chr2-199323864-T-A. GRCh37 (hg19) VCF-style: chr2-200188587-T-A.
Other names: c.1481A>T, p.Glu494Val (NM_001172517.1, NM_015265.4); short protein forms E494V.
Identifiers: ClinVar variation 391717 (VCV000391717.8), dbSNP rs1057524205, ClinGen allele CA16604015.
Genomic context (GRCh38, chr2:199,323,864, plus strand): 5'-TGACTTTTATTTGCAGCCACTTTGGCAAACAGGGCTTGAGACACCTTGGCCCTTTTCATC[T>A]CCTGTTGGATCTCGTCATAAATGGCAGCTGTGATGTTGATGTTGGCGCCGTCCACCTTAA-3'
Protein context (NP_001165980.1, residues 484-504): TAAIYDEIQQ[Glu494Val]MKRAKVSQAL

ClinVar aggregate classification (germline): Conflicting classifications of pathogenicity. Review status: criteria provided, conflicting classifications (1 of 4 stars). 2 submissions from 2 submitters: Likely pathogenic (1); Uncertain significance (1). Last evaluated 2022-09-13.

Conditions:
Chromosome 2q32-q33 deletion syndrome (GLASS). Also called: Glass syndrome; 2q33.1 deletion syndrome. Identifiers: Orphanet 251019, MedGen C2676739, MONDO:0012864, OMIM 612313.

Submissions (2):

Labcorp Genetics (formerly Invitae), Labcorp
Classification: Uncertain significance for Chromosome 2q32-q33 deletion syndrome. Last evaluated: 2022-09-13. Review status: criteria provided, single submitter. Criteria: Invitae Variant Classification Sherloc (09022015). Collection method: clinical testing. Allele origin: germline.
Comment: This sequence change replaces glutamic acid, which is acidic and polar, with valine, which is neutral and non-polar, at codon 494 of the SATB2 protein (p.Glu494Val). This variant is not present in population databases (gnomAD no frequency). This variant has not been reported in the literature in individuals affected with SATB2-related conditions. ClinVar contains an entry for this variant (Variation ID: 391717). Advanced modeling of experimental studies (such as gene expression, population dynamics, functional pathways, and cell-cycle effects in cell culture) performed at Invitae indicates that this missense variant is expected to disrupt SATB2 protein function. In summary, the available evidence is currently insufficient to determine the role of this variant in disease. Therefore, it has been classified as a Variant of Uncertain Significance.

GeneDx
Classification: Likely pathogenic. Last evaluated: 2016-12-29. Review status: criteria provided, single submitter. Criteria: GeneDx Variant Classification (06012015). Collection method: clinical testing. Allele origin: germline. Affected: yes.
Comment: The E494V variant in the SATB2 gene has not been reported previously as a pathogenic variant, nor as a benign variant, to our knowledge. The E494V variant was not observed in approximately 6500 individuals of European and African American ancestry in the NHLBI Exome Sequencing Project, indicating it is not a common benign variant in these populations. The E494V variant is a non-conservative amino acid substitution, which is likely to impact secondary protein structure as these residues differ in polarity, charge, size and/or other properties. This substitution occurs at a position that is conserved across species. In silico analysis predicts this variant is probably damaging to the protein structure/function. As an alternate mechanism, multiple in silico algorithms predict that c.1481 A>T (aka E494V) might create a cryptic donor site in intron 10 which may supplant the natural donor site. However, in the absence of RNA/functional studies, the actual effect of c.1481 A>T in this individual is unknown. The E494V variant is a strong candidate for a pathogenic variant